The following is an entry in ClinVar:

ClinVar aggregate classification (germline): Uncertain significance (1 of 4 stars; one submission).

Allele frequency attached by ClinVar (database versions not stated): TOPMed 0.00001.
gnomAD v4.1: 3 of 1,613,980 alleles (0.00019%); highest among the groups gnomAD compares: South Asian, 0.0033%; no homozygotes.

Submission:

Labcorp Genetics (formerly Invitae), Labcorp
Classification: Uncertain significance. Last evaluated: 2022-09-06. Review status: criteria provided, single submitter. Criteria: Invitae Variant Classification Sherloc (09022015). Collection method: clinical testing. Allele origin: germline.
Comment: This sequence change replaces threonine, which is neutral and polar, with asparagine, which is neutral and polar, at codon 30 of the NDUFAF5 protein (p.Thr30Asn). This variant is not present in population databases (gnomAD no frequency). This variant has not been reported in the literature in individuals affected with NDUFAF5-related conditions. Algorithms developed to predict the effect of missense changes on protein structure and function (SIFT, PolyPhen-2, Align-GVGD) all suggest that this variant is likely to be tolerated. In summary, the available evidence is currently insufficient to determine the role of this variant in disease. Therefore, it has been classified as a Variant of Uncertain Significance.

NM_024120.5(NDUFAF5):c.89C>A (p.Thr30Asn)

Genes: NDUFAF5 (NADH:ubiquinone oxidoreductase complex assembly factor 5; plus strand), LOC130065433 (ATAC-STARR-seq lymphoblastoid active region 17552; plus strand). Cytogenetic location: 20p12.1.
Variant type: single nucleotide variant.
Coding change: c.89C>A on transcript NM_024120.5 (MANE Select); coding-DNA position 89, C replaced by A.
Protein change: p.Thr30Asn; replaces threonine 30 with asparagine.
Molecular consequence: missense variant. On other transcripts: 5 prime UTR variant (3), non-coding transcript variant (7).
Genome position (GRCh38, 1-based): chr20:13,785,157, C>A. VCF-style: chr20-13785157-C-A. GRCh37 (hg19) VCF-style: chr20-13765803-C-A.
Other names: c.89C>A, p.Thr30Asn (NM_001039375.3, NM_001352408.2); c.-279C>A (NM_001352403.2); c.-493C>A (NM_001352406.2); c.-607C>A (NM_001352407.2); short protein forms T30N.
Identifiers: ClinVar variation 2180418 (VCV002180418.1), dbSNP rs771954824, ClinGen allele CA311428422.
Genomic context (GRCh38, chr20:13,785,157, plus strand): 5'-TATGTCGGCGACCTTGGGCGGCGAGGGTCCCAGCGGAGAATCTTGGCCGTAGGGAAGTCA[C>A]CTCTGGTGTCTCTCCCCGCGGTAGCACCTCGCCCAGAACCCTGAATATTTTCGACCGGGA-3'
Protein context (NP_077025.2, residues 20-40): PAENLGRREV[Thr30Asn]SGVSPRGSTS